The following is an entry in ClinVar:

ClinVar aggregate classification (germline): Likely pathogenic. Review status: criteria provided, single submitter (1 of 4 stars). 2 submissions from 2 submitters: Likely pathogenic (1). 1 of the submissions does not count toward it. Last evaluated 2025-06-27.

Conditions:
KCNQ2-Related Disorders. Also called: KCNQ2-related disorder; KCNQ2-related condition. Identifiers: MedGen CN169299.
Developmental and epileptic encephalopathy, 7 (DEE7). Also called: Early infantile epileptic encephalopathy 7; KCNQ2-Related Neonatal Epileptic Encephalopathy; KCNQ2-Related Neonatal-Onset Developmental and Epileptic Encephalopathy (NEO-DEE). Identifiers: Orphanet 439218, MedGen C3150986, MONDO:0013387, OMIM 613720.

Submissions (2):

PreventionGenetics, part of Exact Sciences
Classification: Likely pathogenic for KCNQ2-related condition. Last evaluated: 2025-06-27. Review status: criteria provided, single submitter. Criteria: ACMG Guidelines, 2015. Collection method: clinical testing. Allele origin: germline.
Comment: The KCNQ2 c.1655A>C variant is predicted to result in the amino acid substitution p.Lys552Thr. This variant has been reported as a de novo finding in an affected individual, and functional data supports its pathogenicity (Weckhuysen et al. 2013. PubMed ID: 24107868; Pisano et al. 2015. PubMed ID: 25880994; Zhang et al. 2020. PubMed ID: 32179837). This variant has not been reported in a large population database (gnomAD), indicating this variant is rare. This variant is interpreted as likely pathogenic.

GeneReviews
No classification provided. Condition: Developmental and epileptic encephalopathy, 7. Review status: no classification provided. Collection method: literature only. Allele origin: germline. Affected: yes. Not counted in ClinVar's aggregate classification.
Comment: EE (epileptic encephalopathy)

Literature cited by the submitters: PubMed 24107868 (cited by GeneReviews); PubMed 25880994 (cited by GeneReviews); NCBI Bookshelf NBK32534 (cited by GeneReviews).

NM_172107.4(KCNQ2):c.1655A>C (p.Lys552Thr)

Gene: KCNQ2 (potassium voltage-gated channel subfamily Q member 2; minus strand). Cytogenetic location: 20q13.33.
Variant type: single nucleotide variant.
Coding change: c.1655A>C on transcript NM_172107.4 (MANE Select); coding-DNA position 1655, A replaced by C.
Protein change: p.Lys552Thr; replaces lysine 552 with threonine.
Molecular consequence: missense variant.
Genome position (GRCh38, 1-based): chr20:63,413,558, T>G on the plus strand (A>C on the coding strand, the complement: KCNQ2 is on the minus strand). VCF-style: chr20-63413558-T-G. GRCh37 (hg19) VCF-style: chr20-62044911-T-G.
Other names: c.1571A>C, p.Lys524Thr (NM_004518.6); c.1601A>C, p.Lys534Thr (NM_172106.3); c.1562A>C, p.Lys521Thr (NM_172108.5); c.1655A>C (NM_172107.3); short protein forms K552T, K521T, K524T, K534T.
Identifiers: ClinVar variation 369804 (VCV000369804.3), dbSNP rs1555853613, ClinGen allele CA10654784.